The following is an entry in ClinVar:

ClinVar aggregate classification (germline): Pathogenic (1 of 4 stars; one submission).

Conditions:
Breast-ovarian cancer, familial, susceptibility to, 1 (BROVCA1). Also called: BRCA1 Hereditary Breast and Ovarian Cancer; OVARIAN CANCER, SUSCEPTIBILITY TO. Identifiers: Orphanet 145, MedGen C2676676, MONDO:0011450, OMIM 604370. Disease mechanism: loss of function.

Submission:

Myriad Genetics, Inc.
Classification: Pathogenic for Breast-ovarian cancer, familial, susceptibility to, 1. Last evaluated: 2023-08-22. Review status: criteria provided, single submitter. Criteria: Myriad Autosomal Dominant, Autosomal Recessive and X-Linked Classification Criteria (2023). Collection method: clinical testing. Allele origin: unknown.
Comment: This variant is considered pathogenic. This variant creates a frameshift predicted to result in premature protein truncation.

NM_007294.4(BRCA1):c.2197_2200del (p.Glu733fs)

Gene: BRCA1 (BRCA1 DNA repair associated; minus strand). Cytogenetic location: 17q21.31.
Variant type: Deletion.
Coding change: c.2197_2200del on transcript NM_007294.4 (MANE Select); coding-DNA positions 2197 to 2200, 4 bases deleted (GAGA; older notation c.2197_2200delGAGA).
Protein change: p.Glu733fs; shifts the reading frame from glutamic acid 733.
Molecular consequence: frameshift variant. On other transcripts: intron variant (137).
Genome position (GRCh38, 1-based): chr17:43,093,331-43,093,334, TCTC deleted on the plus strand (GAGA on the coding strand, the reverse complement: BRCA1 is on the minus strand); deleting any 4 consecutive bases within chr17:43,093,331-43,093,335 gives the same sequence; the c. name uses the placement nearest the transcript's 3' end. VCF-style (leftmost placement, unchanged base first): chr17-43093330-TTCTC-T. GRCh37 (hg19) VCF-style: chr17-41245347-TTCTC-T.
Other names: c.1987_1990del, p.Glu663fs (NM_001407908.1, NM_001407909.1, NM_001407910.1 and 13 more transcripts); c.1984_1987del, p.Glu662fs (NM_001407915.1, NM_001407916.1, NM_001407917.1 and 9 more transcripts); c.2074_2077del, p.Glu692fs (NM_001407919.1, NM_001407668.1, NM_001407669.1 and 19 more transcripts); c.1933_1936del, p.Glu645fs (NM_001407920.1, NM_001407921.1, NM_001407922.1 and 9 more transcripts); c.2071_2074del, p.Glu691fs (NM_001407670.1, NM_001407671.1, NM_001407672.1 and 11 more transcripts); c.2197_2200del, p.Glu733fs (NM_001407684.1, NM_001407854.1, NM_001407858.1 and 30 more transcripts); c.2056_2059del, p.Glu686fs (NM_001407692.1, NM_001407694.1, NM_001407695.1 and 29 more transcripts); c.2053_2056del, p.Glu685fs (NM_001407740.1, NM_001407741.1, NM_001407742.1 and 20 more transcripts); and 41 more; short protein forms E437fs, E565fs, E605fs, E606fs, E621fs, E622fs, E644fs, E645fs.
Identifiers: ClinVar variation 2674454 (VCV002674454.1), dbSNP rs2552192047, ClinGen allele CA2695201346.